The following is an entry in ClinVar:

ClinVar aggregate classification (germline): Uncertain significance. Review status: criteria provided, multiple submitters, no conflicts (2 of 4 stars). 3 submissions from 3 submitters: Uncertain significance (3). Last evaluated 2024-03-18.

Conditions:
RECON progeroid syndrome (RECON). Identifiers: MedGen C5830504, MONDO:0957266, OMIM 620370.

Allele frequency attached by ClinVar (database versions not stated): ExAC 0.00001; gnomAD exomes 0.00001.
gnomAD v4.1: 8 of 1,602,318 alleles (0.0005%); highest among the groups gnomAD compares: Non-Finnish European, 0.00068%; no homozygotes.

Submissions (3):

Ambry Genetics
Classification: Uncertain significance. Last evaluated: 2024-03-18. Review status: criteria provided, single submitter. Criteria: Ambry Variant Classification Scheme 2023. Collection method: clinical testing. Allele origin: germline.
Comment: The p.D72G variant (also known as c.215A>G) is located in coding exon 3 of the RECQL gene. The aspartic acid at codon 72 is replaced by glycine, an amino acid with similar properties. This change occurs in the first base pair of coding exon 3. This amino acid position is conserved. In addition, the in silico prediction for this alteration is inconclusive. Since supporting evidence is limited at this time, the clinical significance of this alteration remains unclear.

Labcorp Genetics (formerly Invitae), Labcorp
Classification: Uncertain significance. Last evaluated: 2022-10-17. Review status: criteria provided, single submitter. Criteria: Invitae Variant Classification Sherloc (09022015). Collection method: clinical testing. Allele origin: germline.
Comment: This sequence change replaces aspartic acid, which is acidic and polar, with glycine, which is neutral and non-polar, at codon 72 of the RECQL protein (p.Asp72Gly). In summary, the available evidence is currently insufficient to determine the role of this variant in disease. Therefore, it has been classified as a Variant of Uncertain Significance. Algorithms developed to predict the effect of missense changes on protein structure and function (SIFT, PolyPhen-2, Align-GVGD) all suggest that this variant is likely to be tolerated. This variant has not been reported in the literature in individuals affected with RECQL-related conditions. This variant is present in population databases (rs762984518, gnomAD 0.003%).

Department of Pathology and Laboratory Medicine, Sinai Health System
Classification: Uncertain significance for RECON progeroid syndrome. Last evaluated: 2021-07-30. Review status: criteria provided, single submitter. Criteria: ACMG Guidelines, 2015. Collection method: research. Allele origin: germline.

NM_002907.4(RECQL):c.215A>G (p.Asp72Gly)

Gene: RECQL (RecQ like helicase; minus strand). Cytogenetic location: 12p12.1.
Variant type: single nucleotide variant.
Coding change: c.215A>G on transcript NM_002907.4 (MANE Select); coding-DNA position 215, A replaced by G.
Protein change: p.Asp72Gly; replaces aspartic acid 72 with glycine.
Molecular consequence: missense variant.
Genome position (GRCh38, 1-based): chr12:21,490,378, T>C on the plus strand (A>G on the coding strand, the complement: RECQL is on the minus strand). VCF-style: chr12-21490378-T-C. GRCh37 (hg19) VCF-style: chr12-21643312-T-C.
Other names: c.215A>G, p.Asp72Gly (NM_032941.3); short protein forms D72G.
Identifiers: ClinVar variation 1786860 (VCV001786860.8), dbSNP rs762984518, ClinGen allele CA6479148.